The following is an entry in ClinVar:

NM_194279.4(ISCA2):c.62C>T (p.Pro21Leu)

Genes: ISCA2 (iron-sulfur cluster assembly 2; plus strand), LOC130056095 (ATAC-STARR-seq lymphoblastoid active region 8728; plus strand). Cytogenetic location: 14q24.3.
Variant type: single nucleotide variant.
Coding change: c.62C>T on transcript NM_194279.4 (MANE Select); coding-DNA position 62, C replaced by T.
Protein change: p.Pro21Leu; replaces proline 21 with leucine.
Molecular consequence: missense variant.
Genome position (GRCh38, 1-based): chr14:74,493,836, C>T. VCF-style: chr14-74493836-C-T. GRCh37 (hg19) VCF-style: chr14-74960539-C-T.
Other names: c.62C>T (NM_194279.2); c.62C>T, p.Pro21Leu (NM_001272007.2); short protein forms P21L.
Identifiers: ClinVar variation 1443965 (VCV001443965.5), dbSNP rs372853525, ClinGen allele CA7268251.

ClinVar aggregate classification (germline): Uncertain significance. Review status: criteria provided, multiple submitters, no conflicts (2 of 4 stars). 2 submissions from 2 submitters: Uncertain significance (2). Last evaluated 2025-08-07.

Conditions:
Inborn genetic diseases. Identifiers: MedGen C0950123, MeSH D030342.

Allele frequency attached by ClinVar (database versions not stated): gnomAD exomes 0.00010; gnomAD 0.00017 and 0.00018; TOPMed 0.00020; ESP Exome Variant Server 0.00023; ExAC 0.00032.
gnomAD v4.1: 313 of 1,558,704 alleles (0.02%); highest among the groups gnomAD compares: Non-Finnish European, 0.025%; no homozygotes.

Submissions (2):

Ambry Genetics
Classification: Uncertain significance for Inborn genetic diseases. Last evaluated: 2025-08-07. Review status: criteria provided, single submitter. Criteria: Ambry Variant Classification Scheme 2023. Collection method: clinical testing. Allele origin: germline.

Labcorp Genetics (formerly Invitae), Labcorp
Classification: Uncertain significance. Last evaluated: 2023-12-11. Review status: criteria provided, single submitter. Criteria: Invitae Variant Classification Sherloc (09022015). Collection method: clinical testing. Allele origin: germline.
Comment: This sequence change replaces proline, which is neutral and non-polar, with leucine, which is neutral and non-polar, at codon 21 of the ISCA2 protein (p.Pro21Leu). This variant is present in population databases (rs372853525, gnomAD 0.03%). This variant has not been reported in the literature in individuals affected with ISCA2-related conditions. ClinVar contains an entry for this variant (Variation ID: 1443965). An algorithm developed to predict the effect of missense changes on protein structure and function (PolyPhen-2) suggests that this variant¬†is likely to be tolerated. In summary, the available evidence is currently insufficient to determine the role of this variant in disease. Therefore, it has been classified as a Variant of Uncertain Significance.